The following is an entry in ClinVar:

ClinVar aggregate classification (germline): Pathogenic. Review status: criteria provided, multiple submitters, no conflicts (2 of 4 stars). 3 submissions from 3 submitters: Pathogenic (2). 1 of the submissions does not count toward it. Last evaluated 2025-02-27.

Allele frequency attached by ClinVar (database versions not stated): gnomAD exomes below 0.00001 and 0.00001; ExAC 0.00001.

Submissions (3):

Labcorp Genetics (formerly Invitae), Labcorp
Classification: Pathogenic. Last evaluated: 2025-02-27. Review status: criteria provided, single submitter. Criteria: Invitae Variant Classification Sherloc (09022015). Collection method: clinical testing. Allele origin: germline.
Comment: This sequence change replaces cysteine, which is neutral and slightly polar, with tyrosine, which is neutral and polar, at codon 140 of the F11 protein (p.Cys140Tyr). This variant is present in population databases (rs281875256, gnomAD 0.002%). This missense change has been observed in individuals with autosomal recessive factor XI (FXI) deficiency (PMID: 16607084, 18515884, 19718484, 24112640). This variant is also known as p.Cys122Tyr. ClinVar contains an entry for this variant (Variation ID: 68193). Invitae Evidence Modeling of protein sequence and biophysical properties (such as structural, functional, and spatial information, amino acid conservation, physicochemical variation, residue mobility, and thermodynamic stability) indicates that this missense variant is expected to disrupt F11 protein function with a positive predictive value of 95%. For these reasons, this variant has been classified as Pathogenic.

Mayo Clinic Laboratories, Mayo Clinic
Classification: Pathogenic. Last evaluated: 2024-08-27. Review status: criteria provided, single submitter. Criteria: ACMG Guidelines, 2015. Collection method: clinical testing. Allele origin: germline. Observed: 1 variant allele.
Comment: PP3, PM1_supporting, PM2, PM3, PS3, PS4_moderate

UniProtKB/Swiss-Prot
No classification provided. Review status: no classification provided. Collection method: not provided. Allele origin: not provided. Not counted in ClinVar's aggregate classification.

Literature cited by the submitters: PubMed 16607084 (cited by Labcorp Genetics (formerly Invitae), Labcorp and Mayo Clinic Laboratories, Mayo Clinic); PubMed 18515884 (cited by Labcorp Genetics (formerly Invitae), Labcorp and Mayo Clinic Laboratories, Mayo Clinic); PubMed 19718484 (cited by Labcorp Genetics (formerly Invitae), Labcorp and Mayo Clinic Laboratories, Mayo Clinic); PubMed 24112640 (cited by Labcorp Genetics (formerly Invitae), Labcorp and Mayo Clinic Laboratories, Mayo Clinic); PubMed 33477601 (cited by Mayo Clinic Laboratories, Mayo Clinic).

NM_000128.4(F11):c.419G>A (p.Cys140Tyr)

Gene: F11 (coagulation factor XI; plus strand). Cytogenetic location: 4q35.2.
Variant type: single nucleotide variant.
Coding change: c.419G>A on transcript NM_000128.4 (MANE Select); coding-DNA position 419, G replaced by A.
Protein change: p.Cys140Tyr; replaces cysteine 140 with tyrosine.
Molecular consequence: missense variant.
Genome position (GRCh38, 1-based): chr4:186,274,209, G>A. VCF-style: chr4-186274209-G-A. GRCh37 (hg19) VCF-style: chr4-187195363-G-A.
Other names: c.419G>A, p.Cys140Tyr (NM_001354804.2); short protein forms C140Y.
Identifiers: ClinVar variation 68193 (VCV000068193.5), dbSNP rs281875256, ClinGen allele CA219140.